The following is an entry in ClinVar:

ClinVar aggregate classification (germline): Uncertain significance (1 of 4 stars; one submission).

Conditions:
Mitochondrial disease. Also called: Mitochondrial disorder; Mitochondrial disorders. Identifiers: Orphanet 68380, MedGen C0751651, MeSH D028361, MONDO:0044970.

Submission:

Genomenon, Inc
Classification: Uncertain significance for Mitochondrial disease. Last evaluated: 2025-11-24. Review status: criteria provided, single submitter. Criteria: Genomenon Sequence Variant Interpretation Standards - Updated. Collection method: curation. Allele origin: germline. Affected: no.
Comment: TK2 p.Ile59Leu (c.175A>C) is a missense variant that changes the amino acid at residue 59 from Isoleucine to Leucine. This variant has been reported in the published literature (19233899). This variant is not present at a significant frequency in gnomAD, and in silico models agree that this variant is possibly or probably damaging. In conclusion, we classify TK2 p.Ile59Leu (c.175A>C) as a variant of uncertain significance.

Literature cited by the submitters: PubMed 19233899.

NM_004614.5(TK2):c.175A>C (p.Ile59Leu)

Gene: TK2 (thymidine kinase 2; minus strand). Cytogenetic location: 16q21.
Variant type: single nucleotide variant.
Coding change: c.175A>C on transcript NM_004614.5 (MANE Select); coding-DNA position 175, A replaced by C.
Protein change: p.Ile59Leu; replaces isoleucine 59 with leucine.
Molecular consequence: missense variant. On other transcripts: 5 prime UTR variant (1), non-coding transcript variant (1), intron variant (1).
Genome position (GRCh38, 1-based): chr16:66,541,935, T>G on the plus strand (A>C on the coding strand, the complement: TK2 is on the minus strand). VCF-style: chr16-66541935-T-G. GRCh37 (hg19) VCF-style: chr16-66575838-T-G.
Other names: c.82A>C, p.Ile28Leu (NM_001172643.1, NM_001271935.1); c.175A>C, p.Ile59Leu (NM_001172645.2); c.28A>C, p.Ile10Leu (NM_001271934.2); c.-117A>C (NM_001272050.2); c.157-4918A>C (NM_001172644.2); short protein forms I10L, I28L, I59L.
Identifiers: ClinVar variation 4686626 (VCV004686626.1).